The following is an entry in ClinVar:

ClinVar aggregate classification (germline): Uncertain significance (1 of 4 stars; one submission).

Submission:

Labcorp Genetics (formerly Invitae), Labcorp
Classification: Uncertain significance. Last evaluated: 2022-02-25. Review status: criteria provided, single submitter. Criteria: Invitae Variant Classification Sherloc (09022015). Collection method: clinical testing. Allele origin: germline.
Comment: This sequence change replaces cysteine, which is neutral and slightly polar, with glycine, which is neutral and non-polar, at codon 112 of the C9 protein (p.Cys112Gly). This variant is not present in population databases (gnomAD no frequency). This variant has not been reported in the literature in individuals affected with C9-related conditions. Algorithms developed to predict the effect of missense changes on protein structure and function are either unavailable or do not agree on the potential impact of this missense change (SIFT: "Not Available"; PolyPhen-2: "Probably Damaging"; Align-GVGD: "Not Available"). In summary, the available evidence is currently insufficient to determine the role of this variant in disease. Therefore, it has been classified as a Variant of Uncertain Significance.

NM_001737.5(C9):c.334T>G (p.Cys112Gly)

Gene: C9 (complement C9; minus strand). Cytogenetic location: 5p13.1.
Variant type: single nucleotide variant.
Coding change: c.334T>G on transcript NM_001737.5 (MANE Select); coding-DNA position 334, T replaced by G.
Protein change: p.Cys112Gly; replaces cysteine 112 with glycine.
Molecular consequence: missense variant.
Genome position (GRCh38, 1-based): chr5:39,341,288, A>C on the plus strand (T>G on the coding strand, the complement: C9 is on the minus strand). VCF-style: chr5-39341288-A-C. GRCh37 (hg19) VCF-style: chr5-39341390-A-C.
Other names: short protein forms C112G.
Identifiers: ClinVar variation 2066777 (VCV002066777.4), dbSNP rs2479185881, ClinGen allele CA359563053.